The following is an entry in ClinVar:

ClinVar aggregate classification (germline): Pathogenic (1 of 4 stars; one submission).

Submission:

Genetic Services Laboratory, University of Chicago
Classification: Pathogenic. Last evaluated: 2023-05-24. Review status: criteria provided, single submitter. Criteria: ACMG Guidelines, 2015. Collection method: clinical testing. Allele origin: germline. Affected: yes.
Comment: DNA sequence analysis of the PKD1 gene demonstrated a two base pair deletion in exon 15, c.5517_5518del. This sequence change results in an amino acid frameshift and creates a premature stop codon 150 amino acids downstream of the change, p.Trp1839Cysfs*150. This sequence change is predicted to result in an abnormal transcript, which may be degraded, or may lead to the production of a truncated PKD1 protein with potentially abnormal function. The c.5517_5518del sequence change has not been described in population databases such as ExAC and gnomAD. While this sequence change has not previously been described in the literature, other deletions in the PKD1 gene leading to downstream protein truncation have been described in several individuals with PKD1-related polycystic kidney disease. Collectively, these evidences indicate this sequence change is pathogenic, however functional studies have not been performed to prove this conclusively.

NM_001009944.3(PKD1):c.5517_5518del (p.Trp1839fs)

Gene: PKD1 (polycystin 1, transient receptor potential channel interacting; minus strand). Cytogenetic location: 16p13.3.
Variant type: Deletion.
Coding change: c.5517_5518del on transcript NM_001009944.3 (MANE Select); coding-DNA positions 5517 to 5518, 2 bases deleted (GG; older notation c.5517_5518delGG).
Protein change: p.Trp1839fs; shifts the reading frame from tryptophan 1839.
Molecular consequence: frameshift variant.
Genome position (GRCh38, 1-based): chr16:2,109,649-2,109,650, CC deleted on the plus strand (GG on the coding strand, the reverse complement: PKD1 is on the minus strand); deleting any 2 consecutive bases within chr16:2,109,649-2,109,651 gives the same sequence; the c. name uses the placement nearest the transcript's 3' end. VCF-style (leftmost placement, unchanged base first): chr16-2109648-GCC-G. GRCh37 (hg19) VCF-style: chr16-2159649-GCC-G.
Other names: c.5517_5518del, p.Trp1839fs (NM_000296.4); c.5516_5517delGG, p.Trp1839Cysfs (NM_001009944.2); short protein forms W1839fs.
Identifiers: ClinVar variation 4082491 (VCV004082491.2).